The following is an entry in ClinVar:

NM_001267550.2(TTN):c.95415C>G (p.Phe31805Leu)

Genes: TTN-AS1 (TTN antisense RNA 1; plus strand), TTN (titin; minus strand). Cytogenetic location: 2q31.2.
Variant type: single nucleotide variant.
Coding change: c.95415C>G on transcript NM_001267550.2 (MANE Select); coding-DNA position 95415, C replaced by G.
Protein change: p.Phe31805Leu; replaces phenylalanine 31805 with leucine.
Molecular consequence: missense variant.
Genome position (GRCh38, 1-based): chr2:178,545,821, G>C on the plus strand (C>G on the coding strand, the complement: TTN is on the minus strand). VCF-style: chr2-178545821-G-C. GRCh37 (hg19) VCF-style: chr2-179410548-G-C.
Other names: c.90492C>G, p.Phe30164Leu (NM_001256850.1); c.68220C>G, p.Phe22740Leu (NM_003319.4); c.87711C>G, p.Phe29237Leu (NM_133378.4); c.68595C>G, p.Phe22865Leu (NM_133432.3); c.68796C>G, p.Phe22932Leu (NM_133437.4); short protein forms F22932L, F31805L, F22740L, F22865L, F29237L, F30164L.
Identifiers: ClinVar variation 1364688 (VCV001364688.6), dbSNP rs587780983, ClinGen allele CA349461956.

ClinVar aggregate classification (germline): Uncertain significance (1 of 4 stars; one submission).

Conditions:
Dilated cardiomyopathy 1G (CMD1G). Identifiers: Orphanet 154, MedGen C1858763, MONDO:0011400, OMIM 604145.
Autosomal recessive limb-girdle muscular dystrophy type 2J (LGMDR10). Also called: Limb-girdle muscular dystrophy, type 2J; MUSCULAR DYSTROPHY, LIMB-GIRDLE, AUTOSOMAL RECESSIVE 10. Identifiers: Orphanet 140922, MedGen C1837342, MONDO:0012127, OMIM 608807.

Submission:

Labcorp Genetics (formerly Invitae), Labcorp
Classification: Uncertain significance for Dilated cardiomyopathy 1G; Autosomal recessive limb-girdle muscular dystrophy type 2J. Last evaluated: 2021-01-14. Review status: criteria provided, single submitter. Criteria: Invitae Variant Classification Sherloc (09022015). Collection method: clinical testing. Allele origin: germline.
Comment: This sequence change replaces phenylalanine with leucine at codon 31805 of the TTN protein (p.Phe31805Leu). There is a small physicochemical difference between phenylalanine and leucine. This variant is not present in population databases (ExAC no frequency). This variant is located in the A band of TTN (PMID: 25589632). Variants in this region may be relevant for cardiac or neuromuscular disorders (PMID: 25589632, 23975875). In summary, the available evidence is currently insufficient to determine the role of this variant in disease. Therefore, it has been classified as a Variant of Uncertain Significance. Algorithms developed to predict the effect of missense changes on protein structure and function are unavailable for the TTN gene. This variant has been observed in individual(s) with skeletal muscle disease (PMID: 32039858).

Literature cited by the submitters: PubMed 25589632; PubMed 23975875; PubMed 32039858.